The following is an entry in ClinVar:

ClinVar aggregate classification (germline): Uncertain significance. Review status: criteria provided, multiple submitters, no conflicts (2 of 4 stars). 2 submissions from 2 submitters: Uncertain significance (2). Last evaluated 2026-01-09.

Conditions:
Neuropathy, hereditary sensory and autonomic, type 2A (HSAN2A). Also called: WNK1-Related HSAN2 (HSAN2A); HSAN IIA; MORVAN DISEASE; NEUROPATHY, CONGENITAL SENSORY; NEUROPATHY, HEREDITARY SENSORY RADICULAR, AUTOSOMAL RECESSIVE; NEUROPATHY, HEREDITARY SENSORY, TYPE IIA. Identifiers: Orphanet 970, MedGen C2752089, MONDO:0024309, OMIM 201300.
Generalized epilepsy with febrile seizures plus, type 7 (GEFSP7). Also called: GEFS+, TYPE 7. Identifiers: Orphanet 36387, MedGen C2751778, MONDO:0013470, OMIM 613863.

Allele frequency attached by ClinVar (database versions not stated): ExAC 0.00001; gnomAD exomes 0.00001; gnomAD 0.00003 and 0.00004; TOPMed 0.00003.
gnomAD v4.1: 62 of 1,614,068 alleles (0.0038%); highest among the groups gnomAD compares: Non-Finnish European, 0.0048%; no homozygotes.

Submissions (2):

Labcorp Genetics (formerly Invitae), Labcorp
Classification: Uncertain significance for Neuropathy, hereditary sensory and autonomic, type 2A; Generalized epilepsy with febrile seizures plus, type 7. Last evaluated: 2026-01-09. Review status: criteria provided, single submitter. Criteria: Invitae Variant Classification Sherloc (09022015). Collection method: clinical testing. Allele origin: germline.
Comment: This sequence change replaces valine, which is neutral and non-polar, with phenylalanine, which is neutral and non-polar, at codon 1820 of the SCN9A protein (p.Val1820Phe). This variant is present in population databases (rs200196731, gnomAD 0.003%). This variant has not been reported in the literature in individuals affected with SCN9A-related conditions. ClinVar contains an entry for this variant (Variation ID: 946549). Invitae Evidence Modeling of protein sequence and biophysical properties (such as structural, functional, and spatial information, amino acid conservation, physicochemical variation, residue mobility, and thermodynamic stability) has been performed for this missense variant. However, the output from this modeling did not meet the statistical confidence thresholds required to predict the impact of this variant on SCN9A protein function. In summary, the available evidence is currently insufficient to determine the role of this variant in disease. Therefore, it has been classified as a Variant of Uncertain Significance.

Blueprint Genetics
Classification: Uncertain significance. Last evaluated: 2024-04-26. Review status: criteria provided, single submitter. Criteria: ACMG Guidelines, 2015. Collection method: clinical testing. Allele origin: germline.

NM_001365536.1(SCN9A):c.5491G>T (p.Val1831Phe)

Genes: SCN1A-AS1 (SCN1A and SCN9A antisense RNA 1; plus strand), SCN9A (sodium voltage-gated channel alpha subunit 9; minus strand). Cytogenetic location: 2q24.3.
Variant type: single nucleotide variant.
Coding change: c.5491G>T on transcript NM_001365536.1 (MANE Select); coding-DNA position 5491, G replaced by T.
Protein change: p.Val1831Phe; replaces valine 1831 with phenylalanine.
Molecular consequence: missense variant.
Genome position (GRCh38, 1-based): chr2:166,199,148, C>A on the plus strand (G>T on the coding strand, the complement: SCN9A is on the minus strand). VCF-style: chr2-166199148-C-A. GRCh37 (hg19) VCF-style: chr2-167055658-C-A.
Other names: c.5458G>T, p.Val1820Phe (NM_002977.4); short protein forms V1831F, V1820F.
Identifiers: ClinVar variation 946549 (VCV000946549.9), dbSNP rs200196731, ClinGen allele CA1943668.
Genomic context (GRCh38, chr2:166,199,148, plus strand): 5'-CCAAAACACGCTTTGTAAAAGCAAATAAGATGTCAAGACAATGGATCCGGTCACCACTAA[C>A]CATGGGCAGATCCATGGCAATGAGCTGGACTTTGTTGGGTTTTGCTATGAGAAGAGGAGG-3'
Protein context (NP_001352465.1, residues 1821-1841): VQLIAMDLPM[Val1831Phe]SGDRIHCLDI